The following is an entry in ClinVar:

ClinVar aggregate classification (germline): Pathogenic (1 of 4 stars; one submission).

Conditions:
Ellis-van Creveld syndrome (EVC). Also called: EVC-Related Ellis-van Creveld Syndrome; EVC2-Related Ellis-van Creveld Syndrome; MESOECTODERMAL DYSPLASIA; Chondroectodermal dysplasia. Identifiers: Orphanet 289, MedGen C0013903, MONDO:0009162, OMIM 225500.
Curry-Hall syndrome (WAD). Also called: WEYERS ACRODENTAL DYSOSTOSIS. Identifiers: Orphanet 952, MedGen C0457013, MONDO:0008673, OMIM 193530.

Submission:

Labcorp Genetics (formerly Invitae), Labcorp
Classification: Pathogenic for Curry-Hall syndrome; Ellis-van Creveld syndrome. Last evaluated: 2021-09-22. Review status: criteria provided, single submitter. Criteria: Invitae Variant Classification Sherloc (09022015). Collection method: clinical testing. Allele origin: germline.
Comment: For these reasons, this variant has been classified as Pathogenic. This variant has not been reported in the literature in individuals affected with EVC-related conditions. This variant is not present in population databases (ExAC no frequency). This sequence change creates a premature translational stop signal (p.His607Cysfs*52) in the EVC gene. It is expected to result in an absent or disrupted protein product. Loss-of-function variants in EVC are known to be pathogenic (PMID: 23220543).

Literature cited by the submitters: PubMed 23220543.

NM_153717.3(EVC):c.1818_1821del (p.His607fs)

Gene: EVC (EvC ciliary complex subunit 1; plus strand). Cytogenetic location: 4p16.2.
Variant type: Microsatellite.
Coding change: c.1818_1821del on transcript NM_153717.3 (MANE Select); coding-DNA positions 1818 to 1821, 4 bases deleted (ACAC; older notation c.1818_1821delACAC).
Protein change: p.His607fs; shifts the reading frame from histidine 607.
Molecular consequence: frameshift variant.
Genome position (GRCh38, 1-based): chr4:5,793,649-5,793,652, ACAC deleted; deleting any 4 consecutive bases within chr4:5,793,647-5,793,652 gives the same sequence; the c. name uses the placement nearest the transcript's 3' end. VCF-style (leftmost placement, unchanged base first): chr4-5793646-GACAC-G. GRCh37 (hg19) VCF-style: chr4-5795373-GACAC-G.
Other names: c.1818_1821del, p.His607fs (NM_001306090.2); short protein forms H607fs.
Identifiers: ClinVar variation 1452861 (VCV001452861.7), dbSNP rs2152326544, ClinGen allele CA2580616069.
Genomic context (GRCh38, chr4:5,793,646, plus strand): 5'-TGTCCCTCTGTCCCGAGTTCAGGTGTGGATGGAGGAGTGTGCGCTGTCCAGCGTGCTGCA[GACAC>G]ACCTGCGGGAGGACCACGAGGGCACCATCCGCGGCGTCTTGGGCCGACTGGGCGGCCTCA-3'